The following is an entry in ClinVar:

NM_001111125.3(IQSEC2):c.175C>G (p.Arg59Gly)

Gene: IQSEC2 (IQ motif and Sec7 domain ArfGEF 2; minus strand). Cytogenetic location: Xp11.22.
Variant type: single nucleotide variant.
Coding change: c.175C>G on transcript NM_001111125.3 (MANE Select); coding-DNA position 175, C replaced by G.
Protein change: p.Arg59Gly; replaces arginine 59 with glycine.
Molecular consequence: missense variant.
Genome position (GRCh38, 1-based): chrX:53,320,949, G>C on the plus strand (C>G on the coding strand, the complement: IQSEC2 is on the minus strand). VCF-style: chrX-53320949-G-C. GRCh37 (hg19) VCF-style: chrX-53350147-G-C.
Other names: c.175C>G, p.Arg59Gly (NM_001410736.1, NM_001441092.1); short protein forms R59G.
Identifiers: ClinVar variation 4537273 (VCV004537273.1).

ClinVar aggregate classification (germline): Uncertain significance (1 of 4 stars; one submission).

Submission:

Women's Health and Genetics/Laboratory Corporation of America, LabCorp
Classification: Uncertain significance. Last evaluated: 2025-11-20. Review status: criteria provided, single submitter. Criteria: LabCorp Variant Classification Summary - May 2015. Collection method: clinical testing. Allele origin: germline.
Comment: Variant summary: IQSEC2 c.175C>G (p.Arg59Gly) results in a non-conservative amino acid change in the encoded protein sequence. Algorithms developed to predict the effect of missense changes on protein structure and function are either unavailable or do not agree on the potential impact of this missense change. The variant was absent in 103990 control chromosomes. The available data on variant occurrences in the general population are insufficient to allow any conclusion about variant significance. To our knowledge, no occurrence of c.175C>G in individuals affected with IQSEC2-related conditions and no experimental evidence demonstrating its impact on protein function have been reported. No submitters have cited clinical-significance assessments for this variant to ClinVar. Based on the evidence outlined above, the variant was classified as uncertain significance.